The following is an entry in ClinVar:

ClinVar aggregate classification (germline): Conflicting classifications of pathogenicity. Review status: criteria provided, conflicting classifications (1 of 4 stars). 4 submissions from 4 submitters: Uncertain significance (3); Likely benign (1). Last evaluated 2025-10-02.

Conditions:
Hereditary cancer-predisposing syndrome. Also called: Tumor predisposition; Hereditary Cancer Syndrome; Neoplastic Syndromes, Hereditary; Hereditary neoplastic syndrome. Identifiers: Orphanet 140162, MedGen C0027672, MeSH D009386, MONDO:0015356.
Hyperparathyroidism 1 (HRPT1). Also called: HYPERPARATHYROIDISM, FAMILIAL ISOLATED PRIMARY. Identifiers: Orphanet 99879, MedGen C1840402, MONDO:0007767, OMIM 145000.
Parathyroid carcinoma (PRTC). Also called: CDC73-Related Parathyroid Carcinoma; Parathyroid gland carcinoma. Identifiers: Orphanet 143, MedGen C0687150, MONDO:0012004, OMIM 608266, HP:0006780.

Allele frequency attached by ClinVar (database versions not stated): gnomAD exomes below 0.00001; ExAC 0.00001; TOPMed 0.00001.
gnomAD v4.1: 2 of 1,613,790 alleles (0.00012%); highest among the groups gnomAD compares: Admixed American, 0.0033%; no homozygotes.

Submissions (4):

Labcorp Genetics (formerly Invitae), Labcorp
Classification: Uncertain significance for Parathyroid carcinoma. Last evaluated: 2025-10-02. Review status: criteria provided, single submitter. Criteria: Invitae Variant Classification Sherloc (09022015). Collection method: clinical testing. Allele origin: germline.
Comment: This sequence change replaces alanine, which is neutral and non-polar, with threonine, which is neutral and polar, at codon 337 of the CDC73 protein (p.Ala337Thr). This variant is present in population databases (rs748667010, gnomAD 0.006%). This variant has not been reported in the literature in individuals affected with CDC73-related conditions. ClinVar contains an entry for this variant (Variation ID: 1794894). Invitae Evidence Modeling of protein sequence and biophysical properties (such as structural, functional, and spatial information, amino acid conservation, physicochemical variation, residue mobility, and thermodynamic stability) indicates that this missense variant is not expected to disrupt CDC73 protein function with a negative predictive value of 80%. In summary, the available evidence is currently insufficient to determine the role of this variant in disease. Therefore, it has been classified as a Variant of Uncertain Significance.

Ambry Genetics
Classification: Likely benign for Hereditary cancer-predisposing syndrome. Last evaluated: 2024-06-05. Review status: criteria provided, single submitter. Criteria: Ambry Variant Classification Scheme 2023. Collection method: clinical testing. Allele origin: germline.

GeneDx
Classification: Uncertain significance. Last evaluated: 2024-03-26. Review status: criteria provided, single submitter. Criteria: GeneDx Variant Classification Process June 2021. Collection method: clinical testing. Allele origin: germline. Affected: yes.
Comment: Not observed at significant frequency in large population cohorts (gnomAD); In silico analysis supports that this missense variant does not alter protein structure/function; Has not been previously published as pathogenic or benign to our knowledge; This variant is associated with the following publications: (PMID: 15923622, 15632063)

Baylor Genetics
Classification: Uncertain significance for Hyperparathyroidism 1. Last evaluated: 2023-05-23. Review status: criteria provided, single submitter. Criteria: ACMG Guidelines, 2015. Collection method: clinical testing. Allele origin: unknown.

NM_024529.5(CDC73):c.1009G>A (p.Ala337Thr)

Gene: CDC73 (cell division cycle 73; plus strand). Cytogenetic location: 1q31.2.
Variant type: single nucleotide variant.
Coding change: c.1009G>A on transcript NM_024529.5 (MANE Select); coding-DNA position 1009, G replaced by A.
Protein change: p.Ala337Thr; replaces alanine 337 with threonine.
Molecular consequence: missense variant.
Genome position (GRCh38, 1-based): chr1:193,203,831, G>A. VCF-style: chr1-193203831-G-A. GRCh37 (hg19) VCF-style: chr1-193172961-G-A.
Other names: short protein forms A337T.
Identifiers: ClinVar variation 1794894 (VCV001794894.8), dbSNP rs748667010, ClinGen allele CA1303711.